The following is an entry in ClinVar:

NM_003954.5(MAP3K14):c.641G>A (p.Gly214Asp)

Gene: MAP3K14 (mitogen-activated protein kinase kinase kinase 14; minus strand). Cytogenetic location: 17q21.31.
Variant type: single nucleotide variant.
Coding change: c.641G>A on transcript NM_003954.5 (MANE Select); coding-DNA position 641, G replaced by A.
Protein change: p.Gly214Asp; replaces glycine 214 with aspartic acid.
Molecular consequence: missense variant.
Genome position (GRCh38, 1-based): chr17:45,286,942, C>T on the plus strand (G>A on the coding strand, the complement: MAP3K14 is on the minus strand). VCF-style: chr17-45286942-C-T. GRCh37 (hg19) VCF-style: chr17-43364308-C-T.
Other names: short protein forms G214D.
Identifiers: ClinVar variation 1505142 (VCV001505142.6), dbSNP rs2143821057, ClinGen allele CA399889264.

ClinVar aggregate classification (germline): Uncertain significance (1 of 4 stars; one submission).

Conditions:
NIK deficiency. Also called: Primary immunodeficiency with multifaceted aberrant lymphoid immunity. Identifiers: Orphanet 447731, MedGen C5680065, MONDO:0018642.

Submission:

Labcorp Genetics (formerly Invitae), Labcorp
Classification: Uncertain significance for NIK deficiency. Last evaluated: 2022-07-12. Review status: criteria provided, single submitter. Criteria: Invitae Variant Classification Sherloc (09022015). Collection method: clinical testing. Allele origin: germline.
Comment: In summary, the available evidence is currently insufficient to determine the role of this variant in disease. Therefore, it has been classified as a Variant of Uncertain Significance. Experimental studies and prediction algorithms are not available or were not evaluated, and the functional significance of this variant is currently unknown. ClinVar contains an entry for this variant (Variation ID: 1505142). This variant has not been reported in the literature in individuals affected with MAP3K14-related conditions. This variant is not present in population databases (gnomAD no frequency). This sequence change replaces glycine with aspartic acid at codon 214 of the MAP3K14 protein (p.Gly214Asp). The glycine residue is moderately conserved and there is a moderate physicochemical difference between glycine and aspartic acid.